The following is an entry in ClinVar:

ClinVar aggregate classification (germline): Uncertain significance (1 of 4 stars; one submission).

Conditions:
Cardiovascular phenotype. Identifiers: MedGen CN230736.

Submission:

Ambry Genetics
Classification: Uncertain significance for Cardiovascular phenotype. Last evaluated: 2026-09-11. Review status: criteria provided, single submitter. Criteria: Ambry Variant Classification Scheme 2023. Collection method: clinical testing. Allele origin: germline.
Comment: The p.M2508R variant (also known as c.7523T>G), located in coding exon 26 of the APOB gene, results from a T to G substitution at nucleotide position 7523. The methionine at codon 2508 is replaced by arginine, an amino acid with similar properties. This amino acid position is conserved. In addition, this alteration is predicted to be tolerated by in silico analysis. Based on the available evidence, the clinical significance of this variant remains unclear.

NM_000384.3(APOB):c.7523T>G (p.Met2508Arg)

Gene: APOB (apolipoprotein B; minus strand). Cytogenetic location: 2p24.1.
Variant type: single nucleotide variant.
Coding change: c.7523T>G on transcript NM_000384.3 (MANE Select); coding-DNA position 7523, T replaced by G.
Protein change: p.Met2508Arg; replaces methionine 2508 with arginine.
Molecular consequence: missense variant.
Genome position (GRCh38, 1-based): chr2:21,009,345, A>C on the plus strand (T>G on the coding strand, the complement: APOB is on the minus strand). VCF-style: chr2-21009345-A-C. GRCh37 (hg19) VCF-style: chr2-21232217-A-C.
Other names: short protein forms M2508R.
Identifiers: ClinVar variation 3933823 (VCV003933823.2).